The following is an entry in ClinVar:

ClinVar aggregate classification (germline): Conflicting classifications of pathogenicity. Review status: criteria provided, conflicting classifications (1 of 4 stars). 3 submissions from 3 submitters: Pathogenic (1); Likely pathogenic (1); Uncertain significance (1). Last evaluated 2025-02-19.

Conditions:
Oculocutaneous albinism type 1A (OCA1A). Also called: Albinism, oculocutaneous, type IA. Identifiers: Orphanet 352731, Orphanet 79431, MedGen C4551504, MONDO:0008745, OMIM 203100. Disease mechanism: loss of function.

Submissions (3):

Women's Health and Genetics/Laboratory Corporation of America, LabCorp
Classification: Uncertain significance. Last evaluated: 2025-02-19. Review status: criteria provided, single submitter. Criteria: LabCorp Variant Classification Summary - May 2015. Collection method: clinical testing. Allele origin: germline.
Comment: Variant summary: TYR c.982G>A (p.Glu328Lys) results in a conservative amino acid change located in the Tyrosinase copper-binding domain (IPR002227) of the encoded protein sequence. Four of five in-silico tools predict a damaging effect of the variant on protein function. The variant was absent in 251160 control chromosomes (gnomAD). The available data on variant occurrences in the general population are insufficient to allow any conclusion about variant significance. c.982G>A has been reported in the literature in at least one individual affected with oculocutaneous albinism, however, the genotype/zygosity is not specified and the primary source is not available to independently corroborate the occurrence (e.g. Simeonov_2013, Preising_2011). This report does not provide unequivocal conclusions about association of the variant with oculocutaneous albinism. To our knowledge, no experimental evidence demonstrating an impact on protein function has been reported. The following publications have been ascertained in the context of this evaluation (PMID: 21541274, 23504663). ClinVar contains an entry for this variant (Variation ID: 212525). Based on the evidence outlined above, the variant was classified as uncertain significance.

Genome-Nilou Lab
Classification: Likely pathogenic for Oculocutaneous albinism type 1A. Last evaluated: 2021-07-22. Review status: criteria provided, single submitter. Criteria: ACMG Guidelines, 2015. Collection method: clinical testing. Allele origin: germline. Affected: no.

Genetic Services Laboratory, University of Chicago
Classification: Pathogenic for Albinism, oculocutaneous, type IA. Last evaluated: 2015-03-16. Review status: criteria provided, single submitter. Criteria: ACMG Guidelines, 2015. Collection method: clinical testing. Allele origin: germline. Affected: yes.

Literature cited by the submitters: PubMed 21541274 (cited by Women's Health and Genetics/Laboratory Corporation of America, LabCorp); PubMed 23504663 (cited by Women's Health and Genetics/Laboratory Corporation of America, LabCorp).

NM_000372.5(TYR):c.982G>A (p.Glu328Lys)

Gene: TYR (tyrosinase; plus strand). Cytogenetic location: 11q14.3.
Variant type: single nucleotide variant.
Coding change: c.982G>A on transcript NM_000372.5 (MANE Select); coding-DNA position 982, G replaced by A.
Protein change: p.Glu328Lys; replaces glutamic acid 328 with lysine.
Molecular consequence: missense variant.
Genome position (GRCh38, 1-based): chr11:89,191,364, G>A. VCF-style: chr11-89191364-G-A. GRCh37 (hg19) VCF-style: chr11-88924532-G-A.
Other names: short protein forms E328K.
Identifiers: ClinVar variation 212525 (VCV000212525.11), dbSNP rs61754380, ClinGen allele CA277151.